The following is an entry in ClinVar:

NM_000317.3(PTS):c.11A>G (p.Glu4Gly)

Genes: PTS (6-pyruvoyltetrahydropterin synthase; plus strand), LOC130006765 (ATAC-STARR-seq lymphoblastoid silent region 3906; plus strand). Cytogenetic location: 11q23.1.
Variant type: single nucleotide variant.
Coding change: c.11A>G on transcript NM_000317.3 (MANE Select); coding-DNA position 11, A replaced by G.
Protein change: p.Glu4Gly; replaces glutamic acid 4 with glycine.
Molecular consequence: missense variant.
Genome position (GRCh38, 1-based): chr11:112,226,454, A>G. VCF-style: chr11-112226454-A-G. GRCh37 (hg19) VCF-style: chr11-112097177-A-G.
Other names: c.11A>G (NM_000317.2); short protein forms E4G.
Identifiers: ClinVar variation 2156433 (VCV002156433.4), dbSNP rs1210641460, ClinGen allele CA382626334.

ClinVar aggregate classification (germline): Uncertain significance. Review status: criteria provided, multiple submitters, no conflicts (2 of 4 stars). 2 submissions from 2 submitters: Uncertain significance (2). Last evaluated 2024-10-22.

Conditions:
6-Pyruvoyl-tetrahydrobiopterin synthase deficiency. Also called: BH4-deficient hyperphenylalaninemia A; Hyperphenylalanemia, BH4-deficient, A; Hyperphenylalaninemia due to 6-pyruvoyl-tetrahydropterin synthase deficiency; PTS-Related Tetrahydrobiopterin Deficiency; 6-Pyruvoyltetrahydropterin Synthase Deficiency; HYPERPHENYLALANINEMIA, TETRAHYDROBIOPTERIN-DEFICIENT, DUE TO PTS DEFICIENCY. Identifiers: Orphanet 13, Orphanet 238583, MedGen C0878676, MONDO:0009863, OMIM 261640.

Allele frequency attached by ClinVar (database versions not stated): TOPMed below 0.00001; gnomAD 0.00001; gnomAD exomes 0.00001.
gnomAD v4.1: 7 of 1,580,554 alleles (0.00044%); highest among the groups gnomAD compares: Non-Finnish European, 0.0006%; no homozygotes.

Submissions (2):

Labcorp Genetics (formerly Invitae), Labcorp
Classification: Uncertain significance for 6-Pyruvoyl-tetrahydrobiopterin synthase deficiency. Last evaluated: 2024-10-22. Review status: criteria provided, single submitter. Criteria: Invitae Variant Classification Sherloc (09022015). Collection method: clinical testing. Allele origin: germline.
Comment: This sequence change replaces glutamic acid, which is acidic and polar, with glycine, which is neutral and non-polar, at codon 4 of the PTS protein (p.Glu4Gly). This variant is not present in population databases (gnomAD no frequency). This variant has not been reported in the literature in individuals affected with PTS-related conditions. ClinVar contains an entry for this variant (Variation ID: 2156433). An algorithm developed to predict the effect of missense changes on protein structure and function (PolyPhen-2) suggests that this variant is likely to be tolerated. In summary, the available evidence is currently insufficient to determine the role of this variant in disease. Therefore, it has been classified as a Variant of Uncertain Significance.

GeneDx
Classification: Uncertain significance. Last evaluated: 2024-05-09. Review status: criteria provided, single submitter. Criteria: GeneDx Variant Classification Process June 2021. Collection method: clinical testing. Allele origin: germline. Affected: yes.
Comment: Not observed at significant frequency in large population cohorts (gnomAD); In silico analysis indicates that this missense variant does not alter protein structure/function; Has not been previously published as pathogenic or benign to our knowledge